The following is an entry in ClinVar:

NM_001040108.2(MLH3):c.184G>C (p.Gly62Arg)

Gene: MLH3 (mutL homolog 3; minus strand). Cytogenetic location: 14q24.3.
Variant type: single nucleotide variant.
Coding change: c.184G>C on transcript NM_001040108.2 (MANE Select); coding-DNA position 184, G replaced by C.
Protein change: p.Gly62Arg; replaces glycine 62 with arginine.
Molecular consequence: missense variant.
Genome position (GRCh38, 1-based): chr14:75,049,472, C>G on the plus strand (G>C on the coding strand, the complement: MLH3 is on the minus strand). VCF-style: chr14-75049472-C-G. GRCh37 (hg19) VCF-style: chr14-75516175-C-G.
Other names: c.184G>C, p.Gly62Arg (NM_014381.3); short protein forms G62R.
Identifiers: ClinVar variation 4108644 (VCV004108644.1).

ClinVar aggregate classification (germline): Uncertain significance (1 of 4 stars; one submission).

Submission:

Ambry Genetics
Classification: Uncertain significance. Last evaluated: 2025-07-18. Review status: criteria provided, single submitter. Criteria: Ambry Variant Classification Scheme 2023. Collection method: clinical testing. Allele origin: germline.
Comment: The p.G62R variant (also known as c.184G>C), located in coding exon 1 of the MLH3 gene, results from a G to C substitution at nucleotide position 184. The glycine at codon 62 is replaced by arginine, an amino acid with dissimilar properties. This amino acid position is conserved. In addition, the in silico prediction for this alteration is inconclusive. Based on the available evidence, the clinical significance of this variant remains unclear.